The following is an entry in ClinVar:

NM_032040.5(CCDC8):c.1234G>A (p.Val412Ile)

Gene: CCDC8 (coiled-coil domain containing 8 subunit of 3M complex; minus strand). Cytogenetic location: 19q13.32.
Variant type: single nucleotide variant.
Coding change: c.1234G>A on transcript NM_032040.5 (MANE Select); coding-DNA position 1234, G replaced by A.
Protein change: p.Val412Ile; replaces valine 412 with isoleucine.
Molecular consequence: missense variant.
Genome position (GRCh38, 1-based): chr19:46,411,577, C>T on the plus strand (G>A on the coding strand, the complement: CCDC8 is on the minus strand). VCF-style: chr19-46411577-C-T. GRCh37 (hg19) VCF-style: chr19-46914834-C-T.
Other names: short protein forms V412I.
Identifiers: ClinVar variation 1473961 (VCV001473961.6), dbSNP rs752421136, ClinGen allele CA9528517.

ClinVar aggregate classification (germline): Uncertain significance (1 of 4 stars; one submission).

Allele frequency attached by ClinVar (database versions not stated): ExAC 0.00001; gnomAD exomes 0.00001; gnomAD 0.00003; TOPMed 0.00003.
gnomAD v4.1: 14 of 1,613,356 alleles (0.00087%); highest among the groups gnomAD compares: Admixed American, 0.012%; no homozygotes.

Submission:

Labcorp Genetics (formerly Invitae), Labcorp
Classification: Uncertain significance. Last evaluated: 2025-04-21. Review status: criteria provided, single submitter. Criteria: Invitae Variant Classification Sherloc (09022015). Collection method: clinical testing. Allele origin: germline.
Comment: This sequence change replaces valine, which is neutral and non-polar, with isoleucine, which is neutral and non-polar, at codon 412 of the CCDC8 protein (p.Val412Ile). This variant is present in population databases (rs752421136, gnomAD 0.006%). This variant has not been reported in the literature in individuals affected with CCDC8-related conditions. ClinVar contains an entry for this variant (Variation ID: 1473961). An algorithm developed to predict the effect of missense changes on protein structure and function outputs the following: PolyPhen-2: "Benign". The isoleucine amino acid residue is found in multiple mammalian species, which suggests that this missense change does not adversely affect protein function. In summary, the available evidence is currently insufficient to determine the role of this variant in disease. Therefore, it has been classified as a Variant of Uncertain Significance.